The following is an entry in ClinVar:

ClinVar aggregate classification (germline): Uncertain significance. Review status: criteria provided, multiple submitters, no conflicts (2 of 4 stars). 2 submissions from 2 submitters: Uncertain significance (2). Last evaluated 2021-06-22.

Submissions (2):

Women's Health and Genetics/Laboratory Corporation of America, LabCorp
Classification: Uncertain significance. Last evaluated: 2021-06-22. Review status: criteria provided, single submitter. Criteria: LabCorp Variant Classification Summary - May 2015. Collection method: clinical testing. Allele origin: germline.
Comment: Variant summary: CALCR c.1358delA (p.Asn453ThrfsX13) results in a premature termination codon, predicted to cause a truncation of the encoded protein. However, clinical and functional evidence currently available does not allow for definitive conclusions on whether loss-of-function variants in the CALCR gene cause disease. The variant allele was found at a frequency of 0.00021 in 251494 control chromosomes (52/251494 chromosomes from the gnomAD database). To our knowledge, no occurrence of c.1358delA in individuals affected with Postmenopausal Osteoporosis and no experimental evidence demonstrating its impact on protein function have been reported. No clinical diagnostic laboratories have submitted clinical-significance assessments for this variant to ClinVar after 2014. Based on the evidence outlined above, the variant was classified as uncertain significance.

Breakthrough Genomics
Classification: Uncertain significance. Review status: criteria provided, single submitter. Criteria: ACMG Guidelines, 2015. Collection method: not provided. Allele origin: germline. Inheritance: Autosomal recessive inheritance. Affected: yes.

Literature cited by the submitters: PubMed 25938944 (cited by Women's Health and Genetics/Laboratory Corporation of America, LabCorp).

NM_001742.4(CALCR):c.1358del (p.Asn453fs)

Gene: CALCR (calcitonin receptor; minus strand). Cytogenetic location: 7q21.3.
Variant type: Deletion.
Coding change: c.1358del on transcript NM_001742.4 (MANE Select); coding-DNA position 1358, one base deleted (A; older notation c.1358delA).
Protein change: p.Asn453fs; shifts the reading frame from asparagine 453.
Molecular consequence: frameshift variant.
Genome position (GRCh38, 1-based): chr7:93,426,423, T deleted on the plus strand (A on the coding strand, the reverse complement: CALCR is on the minus strand); the first of 2 consecutive T bases (chr7:93,426,423-93,426,424); deleting either gives the same sequence. VCF-style (leftmost placement, unchanged base first): chr7-93426422-GT-G. GRCh37 (hg19) VCF-style: chr7-93055734-GT-G.
Other names: c.1406del, p.Asn469fs (NM_001164737.3); c.1358del, p.Asn453fs (NM_001164738.2); short protein forms N453fs, N469fs.
Identifiers: ClinVar variation 1177287 (VCV001177287.2), dbSNP rs753161420, ClinGen allele CA4345263.